The following is an entry in ClinVar:

ClinVar aggregate classification (germline): Likely benign (1 of 4 stars; one submission).

Allele frequency attached by ClinVar (database versions not stated): 1000 Genomes Project 30x 0.00203; 1000 Genomes Project 0.00220; TOPMed 0.00453; gnomAD 0.00656.
gnomAD v4.1: 763 of 152,306 alleles (0.5%); highest among the groups gnomAD compares: Non-Finnish European, 0.87%; 6 homozygotes.

Submission:

GeneDx
Classification: Likely benign. Last evaluated: 2018-06-14. Review status: criteria provided, single submitter. Criteria: GeneDx Variant Classification (06012015). Collection method: clinical testing. Allele origin: germline. Affected: yes.
Comment: This variant is considered likely benign or benign based on one or more of the following criteria: it is a conservative change, it occurs at a poorly conserved position in the protein, it is predicted to be benign by multiple in silico algorithms, and/or has population frequency not consistent with disease.

NM_001244008.2(KIF1A):c.3584+324C>T

Gene: KIF1A (kinesin family member 1A; minus strand). Cytogenetic location: 2q37.3.
Variant type: single nucleotide variant.
Coding change: c.3584+324C>T on transcript NM_001244008.2 (MANE Select); 324 bases into the intron after coding-DNA position 3584, C replaced by T.
Molecular consequence: intron variant.
Genome position (GRCh38, 1-based): chr2:240,743,618, G>A on the plus strand (C>T on the coding strand, the complement: KIF1A is on the minus strand). VCF-style: chr2-240743618-G-A. GRCh37 (hg19) VCF-style: chr2-241683035-G-A.
Other names: c.3281+324C>T (NM_001379653.1, NM_001379650.1, NM_001379641.1 and 5 more transcripts); c.3557+324C>T (NM_001379645.1, NM_001379633.1, NM_001379642.1); c.3383+324C>T (NM_001379635.1, NM_001330290.2, NM_001379646.1 and 1 more transcripts); c.3278+324C>T (NM_001379640.1); c.3533+324C>T (NM_001379632.1); c.3356+324C>T (NM_001379637.1, NM_001379648.1); c.3308+324C>T (NM_001320705.2, NM_001379638.1, NM_001330289.2); c.3659+324C>T (NM_001379631.1).
Identifiers: ClinVar variation 672679 (VCV000672679.1), dbSNP rs565570544, ClinGen allele CA68155141.